The following is an entry in ClinVar:

ClinVar aggregate classification (germline): Uncertain significance (1 of 4 stars; one submission).

Submission:

GeneDx
Classification: Uncertain significance. Last evaluated: 2024-10-11. Review status: criteria provided, single submitter. Criteria: GeneDx Variant Classification Process June 2021. Collection method: clinical testing. Allele origin: germline. Affected: yes.
Comment: Not observed at significant frequency in large population cohorts (gnomAD); In silico analysis supports that this missense variant has a deleterious effect on protein structure/function; Has not been previously published as pathogenic or benign to our knowledge; In silico analysis suggests this variant may impact gene splicing. In the absence of RNA/functional studies, the actual effect of this sequence change is unknown.

NM_003128.3(SPTBN1):c.5103C>A (p.Phe1701Leu)

Gene: SPTBN1 (spectrin beta, non-erythrocytic 1; plus strand). Cytogenetic location: 2p16.2.
Variant type: single nucleotide variant.
Coding change: c.5103C>A on transcript NM_003128.3 (MANE Select); coding-DNA position 5103, C replaced by A.
Protein change: p.Phe1701Leu; replaces phenylalanine 1701 with leucine.
Molecular consequence: missense variant.
Genome position (GRCh38, 1-based): chr2:54,649,091, C>A. VCF-style: chr2-54649091-C-A. GRCh37 (hg19) VCF-style: chr2-54876228-C-A.
Other names: c.5064C>A, p.Phe1688Leu (NM_178313.3); short protein forms F1688L, F1701L.
Identifiers: ClinVar variation 3777564 (VCV003777564.1).